The following is an entry in ClinVar:

ClinVar aggregate classification (germline): Uncertain significance (1 of 4 stars; one submission).

Submission:

CeGaT Center for Human Genetics Tuebingen
Classification: Uncertain significance. Last evaluated: 2024-01-01. Review status: criteria provided, single submitter. Criteria: CeGaT Center For Human Genetics Tuebingen Variant Classification Criteria Version 2. Collection method: clinical testing. Allele origin: germline. Affected: yes. Observed: 2 variant alleles.
Comment: DYNC1H1: PP2

NM_001376.5(DYNC1H1):c.4385T>A (p.Phe1462Tyr)

Gene: DYNC1H1 (dynein cytoplasmic 1 heavy chain 1; plus strand). Cytogenetic location: 14q32.31.
Variant type: single nucleotide variant.
Coding change: c.4385T>A on transcript NM_001376.5 (MANE Select); coding-DNA position 4385, T replaced by A.
Protein change: p.Phe1462Tyr; replaces phenylalanine 1462 with tyrosine.
Molecular consequence: missense variant.
Genome position (GRCh38, 1-based): chr14:102,001,344, T>A. VCF-style: chr14-102001344-T-A. GRCh37 (hg19) VCF-style: chr14-102467681-T-A.
Other names: short protein forms F1462Y.
Identifiers: ClinVar variation 1176984 (VCV001176984.35), dbSNP rs2048128201, ClinGen allele CA391042132.
Genomic context (GRCh38, chr14:102,001,344, plus strand): 5'-ATGAAGCGATTGTCAAGGATGTACTGCTTGTGGCACAAGGGGAGATGGCTTTGGAAGAAT[T>A]TTTGAAGCAGGCGAGTAATAGGACTGAACGGCTGCTTTACGTTGTGTTTCGGGCTGTTAC-3'
Protein context (NP_001367.2, residues 1452-1472): VAQGEMALEE[Phe1462Tyr]LKQIREVWNT